The following is an entry in ClinVar:

ClinVar aggregate classification (germline): Uncertain significance (1 of 4 stars; one submission).

Conditions:
Hereditary cancer-predisposing syndrome. Also called: Hereditary neoplastic syndrome; Tumor predisposition; Hereditary Cancer Syndrome; Neoplastic Syndromes, Hereditary. Identifiers: Orphanet 140162, MedGen C0027672, MeSH D009386, MONDO:0015356.

Submission:

Ambry Genetics
Classification: Uncertain significance for Hereditary cancer-predisposing syndrome. Last evaluated: 2023-06-26. Review status: criteria provided, single submitter. Criteria: Ambry Variant Classification Scheme 2023. Collection method: clinical testing. Allele origin: germline.
Comment: The c.532-2083C>G intronic variant results from a C to G substitution 2083 nucleotides upstream from coding exon 5 in the APC gene. This alteration has been observed in at least one individual with a personal and/or family history that is consistent with APC-related disease (Ambry internal data). This nucleotide position is highly conserved in available vertebrate species. In silico splice site analysis predicts that this alteration will result in the creation or strengthening of a novel splice donor site; however, direct evidence is insufficient at this time (Ambry internal data). Since supporting evidence is limited at this time, the clinical significance of this alteration remains unclear.

NM_000038.6(APC):c.532-2083C>G

Gene: APC (APC regulator of Wnt signaling pathway; plus strand). Cytogenetic location: 5q22.2.
Variant type: single nucleotide variant.
Coding change: c.532-2083C>G on transcript NM_000038.6 (MANE Select); 2083 bases into the intron before coding-DNA position 532, C replaced by G.
Molecular consequence: intron variant.
Genome position (GRCh38, 1-based): chr5:112,778,707, C>G. VCF-style: chr5-112778707-C-G. GRCh37 (hg19) VCF-style: chr5-112114404-C-G.
Other names: c.-504-2083C>G (NM_001407470.1, NM_001407472.1, NM_001354906.2 and 1 more transcripts); c.532-2083C>G (NM_001407447.1, NM_001354895.2, NM_001407456.1 and 16 more transcripts); c.562-2083C>G (NM_001407446.1, NM_001354897.2, NM_001354902.2 and 1 more transcripts); c.355-2083C>G (NM_001407453.1, NM_001354900.2, NM_001354901.2 and 1 more transcripts); c.457-2083C>G (NM_001407451.1, NM_001354898.2, NM_001354904.2).
Identifiers: ClinVar variation 2586976 (VCV002586976.2), dbSNP rs1306143264, ClinGen allele CA2582341594.